The following is an entry in ClinVar:

NM_032977.4(CASP10):c.1567T>C (p.Ter523Gln)

Gene: CASP10 (caspase 10; plus strand). Cytogenetic location: 2q33.1.
Variant type: single nucleotide variant.
Coding change: c.1567T>C on transcript NM_032977.4 (MANE Select); coding-DNA position 1567, T replaced by C.
Protein change: p.Ter523Gln.
Molecular consequence: stop lost. On other transcripts: 3 prime UTR variant (1), intron variant (2).
Genome position (GRCh38, 1-based): chr2:201,217,739, T>C. VCF-style: chr2-201217739-T-C. GRCh37 (hg19) VCF-style: chr2-202082462-T-C.
Other names: *523Q; *480Q; *456Q; c.1366T>C, p.Ter456Gln (NM_001206524.2); c.1438T>C, p.Ter480Gln (NM_001230.5); c.*653T>C (NM_032976.4); c.1415+8177T>C (NM_032974.5); c.1286+8177T>C (NM_001206542.2).
Identifiers: ClinVar variation 504411 (VCV000504411.13), dbSNP rs1465277007, ClinGen allele CA350297267.

ClinVar aggregate classification (germline): Uncertain significance. Review status: criteria provided, multiple submitters, no conflicts (2 of 4 stars). 2 submissions from 2 submitters: Uncertain significance (2). Last evaluated 2025-06-23.

Conditions:
Autoimmune lymphoproliferative syndrome type 2A (ALPS2A). Also called: AUTOIMMUNE LYMPHOPROLIFERATIVE SYNDROME, TYPE IIA; Autoimmune lymphoproliferative syndrome type 2; CASP10-Related Autoimmune Lymphoproliferative Syndrome. Identifiers: Orphanet 3261, MedGen C1858968, MONDO:0011383, OMIM 603909.

Allele frequency attached by ClinVar (database versions not stated): gnomAD exomes below 0.00001 and 0.00001.
gnomAD v4.1: 4 of 1,613,836 alleles (0.00025%); highest among the groups gnomAD compares: East Asian, 0.0022%; no homozygotes.

Submissions (2):

Labcorp Genetics (formerly Invitae), Labcorp
Classification: Uncertain significance for Autoimmune lymphoproliferative syndrome type 2A. Last evaluated: 2025-06-23. Review status: criteria provided, single submitter. Criteria: Invitae Variant Classification Sherloc (09022015). Collection method: clinical testing. Allele origin: germline.
Comment: This sequence change disrupts the translational stop signal of the CASP10 mRNA. It is expected to extend the length of the CASP10 protein by 8 additional amino acid residues. This variant is present in population databases (no rsID available, gnomAD 0.006%). This variant has not been reported in the literature in individuals affected with CASP10-related conditions. ClinVar contains an entry for this variant (Variation ID: 504411). In summary, the available evidence is currently insufficient to determine the role of this variant in disease. Therefore, it has been classified as a Variant of Uncertain Significance.

GeneDx
Classification: Uncertain significance. Last evaluated: 2018-02-19. Review status: criteria provided, single submitter. Criteria: GeneDx Variant Classification (06012015). Collection method: clinical testing. Allele origin: germline. Affected: yes.
Comment: The c.1567 T>C variant has not been published as a pathogenic variant, nor has it been reported as a benign variant to our knowledge. The variant is not observed at a significant frequency in large population cohorts (Lek et al., 2016). It causes the loss of the normal Stop codon at position 523, changes it to a Glutamine residue and results in a new Stop codon 8 codons after, denoted p.Ter523GlnextX8. This variant extends the protein by 8 amino acids. In the absence of RNA/functional studies, the actual effect of this sequence change in this individual is unknown. Therefore, based on the currently available information, it is unclear whether this variant is a pathogenic variant or a rare benign variant.